The following is an entry in ClinVar:

ClinVar aggregate classification (germline): Likely pathogenic (0 of 4 stars; one submission).

Conditions:
Breast carcinoma. Also called: Carcinoma of breast. Identifiers: MedGen C0678222, MONDO:0004989, HP:0003002.

Submission:

Medical Genetics Laboratory, Umraniye Training and Research Hospital, University of Health Sciences
Classification: Likely pathogenic for Breast carcinoma. Last evaluated: 2021-08-21. Review status: no assertion criteria provided. Collection method: clinical testing. Allele origin: germline. Inheritance: Autosomal dominant inheritance. Affected: yes. Observed: 1 variant allele, 1 heterozygote.
Comment: Invasive Ductal Carcinoma EST= + PRO = + HER2 = - KI = %41

NM_000535.7(PMS2):c.683del (p.Gly228fs)

Gene: PMS2 (PMS1 homolog 2, mismatch repair system component; minus strand). Cytogenetic location: 7p22.1.
Variant type: Deletion.
Coding change: c.683del on transcript NM_000535.7 (MANE Select); coding-DNA position 683, one base deleted (G; older notation c.683delG).
Protein change: p.Gly228fs; shifts the reading frame from glycine 228.
Molecular consequence: frameshift variant. On other transcripts: 5 prime UTR variant (2), non-coding transcript variant (1), intron variant (1).
Genome position (GRCh38, 1-based): chr7:5,999,130, C deleted on the plus strand (G on the coding strand, the reverse complement: PMS2 is on the minus strand); the first of 2 consecutive C bases (chr7:5,999,130-5,999,131); deleting either gives the same sequence. VCF-style (leftmost placement, unchanged base first): chr7-5999129-GC-G. GRCh37 (hg19) VCF-style: chr7-6038760-GC-G.
Other names: c.278del, p.Gly93fs (NM_001322003.2, NM_001322004.2, NM_001322005.2 and 2 more transcripts); c.683del, p.Gly228fs (NM_001322006.2, NM_001322014.2); c.365del, p.Gly122fs (NM_001322007.2, NM_001322008.2); c.-251del (NM_001322011.2, NM_001322012.2); c.374del, p.Gly125fs (NM_001322015.2); c.133-1707del (NM_001322013.2); short protein forms G122fs, G125fs, G228fs, G93fs.
Identifiers: ClinVar variation 1209848 (VCV001209848.2), dbSNP rs2128799493, ClinGen allele CA2499218965.